The following is an entry in ClinVar:

ClinVar aggregate classification (germline): Conflicting classifications of pathogenicity. Review status: criteria provided, conflicting classifications (1 of 4 stars). 7 submissions from 7 submitters: Uncertain significance (1); Benign (1); Likely benign (2). 3 of the submissions do not count toward it. Last evaluated 2026-01-28.

Conditions:
Retinitis pigmentosa (RP). Identifiers: Orphanet 791, MedGen C0035334, MeSH D012174, MONDO:0019200, OMIM 268000. Inheritance: Autosomal dominant, autosomal recessive and X linked inheritance.
Retinitis pigmentosa 26 (RP26). Identifiers: Orphanet 791, MedGen C1842127, MONDO:0012024, OMIM 608380.

Allele frequency attached by ClinVar (database versions not stated): gnomAD exomes 0.00017 and 0.00033; ExAC 0.00041; ESP Exome Variant Server 0.00145; gnomAD 0.00156 and 0.00158; TOPMed 0.00166; 1000 Genomes Project 0.00280; 1000 Genomes Project 30x 0.00281.
gnomAD v4.1: 494 of 1,613,760 alleles (0.031%); highest among the groups gnomAD compares: African/African-American, 0.56%; 1 homozygote.

Submissions (7):

Labcorp Genetics (formerly Invitae), Labcorp
Classification: Benign. Last evaluated: 2026-01-28. Review status: criteria provided, single submitter. Criteria: Invitae Variant Classification Sherloc (09022015). Collection method: clinical testing. Allele origin: germline.

Blueprint Genetics
Classification: Likely benign. Last evaluated: 2024-11-14. Review status: criteria provided, single submitter. Criteria: ACMG Guidelines, 2015. Collection method: clinical testing. Allele origin: germline.

CeGaT Center for Human Genetics Tuebingen
Classification: Likely benign. Last evaluated: 2024-07-01. Review status: criteria provided, single submitter. Criteria: CeGaT Center For Human Genetics Tuebingen Variant Classification Criteria Version 2. Collection method: clinical testing. Allele origin: germline. Affected: yes. Observed: 1 variant allele.
Comment: CERKL: BP4, BP7

Illumina Laboratory Services, Illumina
Classification: Uncertain significance for Retinitis pigmentosa. Last evaluated: 2018-01-12. Review status: criteria provided, single submitter. Criteria: ICSL Variant Classification Criteria 13 December 2019. Collection method: clinical testing. Allele origin: germline.

Natera, Inc.
Classification: Likely benign for Retinitis Pigmentosa 26. Last evaluated: 2020-06-04. Review status: no assertion criteria provided. Collection method: clinical testing. Allele origin: germline. Not counted in ClinVar's aggregate classification.

Clinical Genetics DNA and cytogenetics Diagnostics Lab, Erasmus MC, Erasmus Medical Center
Classification: Likely benign. Review status: no assertion criteria provided. Collection method: clinical testing. Allele origin: germline. Affected: yes. Study: VKGL Data-share Consensus. Not counted in ClinVar's aggregate classification.

Clinical Genetics, Academic Medical Center
Classification: Likely benign. Review status: no assertion criteria provided. Collection method: clinical testing. Allele origin: germline. Affected: yes. Study: VKGL Data-share Consensus. Not counted in ClinVar's aggregate classification.

NM_201548.5(CERKL):c.783T>C (p.Pro261=)

Gene: CERKL (CERK like autophagy regulator; minus strand). Cytogenetic location: 2q31.3.
Variant type: single nucleotide variant.
Coding change: c.783T>C on transcript NM_201548.5 (MANE Select); coding-DNA position 783, T replaced by C.
Protein change: p.Pro261=; no amino-acid change (proline 261 retained).
Molecular consequence: synonymous variant. On other transcripts: non-coding transcript variant (2), intron variant (2).
Genome position (GRCh38, 1-based): chr2:181,558,603, A>G on the plus strand (T>C on the coding strand, the complement: CERKL is on the minus strand). VCF-style: chr2-181558603-A-G. GRCh37 (hg19) VCF-style: chr2-182423330-A-G.
Other names: c.861T>C, p.Pro287= (NM_001030311.3); c.729T>C, p.Pro243= (NM_001160277.2); c.482-8895T>C (NM_001030312.3); c.614-8895T>C (NM_001030313.3).
Identifiers: ClinVar variation 897708 (VCV000897708.34), dbSNP rs77741297, ClinGen allele CA2010663.